The following is an entry in ClinVar:

ClinVar aggregate classification (germline): Pathogenic/Likely pathogenic. Review status: criteria provided, multiple submitters, no conflicts (2 of 4 stars). 10 submissions from 10 submitters: Pathogenic (5); Likely pathogenic (3). 2 of the submissions do not count toward it. Last evaluated 2025-12-13.

Conditions:
Carnitine deficiency. Identifiers: MedGen C1142132.
Inborn genetic diseases. Identifiers: MedGen C0950123, MeSH D030342.
Renal carnitine transport defect (CDSP). Also called: Systemic primary carnitine deficiency disease; Carnitine transporter deficiency; Carnitine Deficiency, Systemic; CARNITINE DEFICIENCY, SYSTEMIC, DUE TO DEFECT IN RENAL REABSORPTION OF CARNITINE; CARNITINE TRANSPORTER, PLASMA-MEMBRANE, DEFICIENCY OF; CARNITINE UPTAKE DEFECT. Identifiers: Orphanet 158, MedGen C0342788, MONDO:0008919, OMIM 212140.

Submissions (10):

Labcorp Genetics (formerly Invitae), Labcorp
Classification: Pathogenic for Renal carnitine transport defect. Last evaluated: 2025-12-13. Review status: criteria provided, single submitter. Criteria: Invitae Variant Classification Sherloc (09022015). Collection method: clinical testing. Allele origin: germline.
Comment: This sequence change replaces alanine, which is neutral and non-polar, with isoleucine, which is neutral and non-polar, at codon 442 of the SLC22A5 protein (p.Ala442Ile). This variant is present in population databases (rs267607053, gnomAD 0.001%). This missense change has been observed in individual(s) with primary carnitine deficiency and systemic carnitine deficiency (PMID: 20027113, 21922592, 28841266). ClinVar contains an entry for this variant (Variation ID: 6428). An algorithm developed to predict the effect of missense changes on protein structure and function (PolyPhen-2) suggests that this variant is likely to be disruptive. For these reasons, this variant has been classified as Pathogenic.

Natera, Inc.
Classification: Likely pathogenic for Carnitine deficiency. Last evaluated: 2025-05-02. Review status: criteria provided, single submitter. Criteria: Natera Variant Classification Schema (03/2026). Collection method: clinical testing. Allele origin: germline.
Comment: The c.1324_1325delGCinsAT variant in SLC22A5 is a deletion-insertion (delins) variant predicted to replace one or more nucleotides with a different sequence. This variant is rare in the general population with a frequency below the threshold expected for the associated phenotype(s). This variant has been observed in one or more individuals affected with the associated recessive disease, as either homozygous or compound heterozygous with a second variant (PMID: 20027113, 28841266). Functional studies show that this variant may disrupt protein function (PMID: 28841266, 21922592). Computational prediction algorithms indicate this variant is likely to affect gene or protein function. Given the available evidence, this variant is classified as Likely Pathogenic.

GeneDx
Classification: Pathogenic. Last evaluated: 2025-03-07. Review status: criteria provided, single submitter. Criteria: GeneDx Variant Classification Process June 2021. Collection method: clinical testing. Allele origin: germline. Affected: yes.
Comment: Published functional studies demonstrate a damaging effect based on significantly reduced carnitine transport (PMID: 21922592); Not observed at significant frequency in large population cohorts (gnomAD); In silico analysis supports a deleterious effect on protein structure/function; This variant is associated with the following publications: (PMID: 20027113, 20574985, 21922592, 28841266)

Ambry Genetics
Classification: Likely pathogenic for Inborn genetic diseases. Last evaluated: 2024-09-23. Review status: criteria provided, single submitter. Criteria: Ambry Variant Classification Scheme 2023. Collection method: clinical testing. Allele origin: germline.
Comment: The c.1324_1325delGCinsAT (p.A442I) alteration, located in coding exon 8 of the SLC22A5 gene, results from an in-frame deletion of GC and insertion of AT at nucleotide positions 1324 to 1325. This results in the substitution of the alanine residue for an isoleucine residue at codon 442. Based on data from gnomAD, the AT allele has an overall frequency of 0.0006% (3/282876) total alleles studied. The highest observed frequency was 0.002% (3/129190) of European (non-Finnish) alleles. This variant has been identified in the homozygous state and in conjunction with other SLC22A5 variants in individuals with features consistent with systemic primary carnitine deficiency; in at least one instance, the variants were identified in trans (Ambrose, 2022; El-Hattab, 2010; Frigeni, 2017). This amino acid position is well conserved in available vertebrate species. In an assay testing SLC22A5 function, this variant showed a functionally abnormal result (Frigeni, 2017). Based on the available evidence, this alteration is classified as likely pathogenic.

Women's Health and Genetics/Laboratory Corporation of America, LabCorp
Classification: Pathogenic for Renal carnitine transport defect. Last evaluated: 2024-07-30. Review status: criteria provided, single submitter. Criteria: LabCorp Variant Classification Summary - May 2015. Collection method: clinical testing. Allele origin: germline.
Comment: Variant summary: SLC22A5 c.1324_1325delinsAT (p.Ala442Ile) results in a non-conservative amino acid change in the encoded protein sequence. Three of five in-silico tools predict a damaging effect of the variant on protein function. The variant allele was found at a frequency of 3.8e-05 in 1614054 control chromosomes. This frequency is not significantly higher than estimated for a pathogenic variant in SLC22A5 causing Systemic Primary Carnitine Deficiency (3.8e-05 vs 0.0046), allowing no conclusion about variant significance. c.1324_1325delinsAT has been reported in the literature in the homozygous and compound heterozygous states in individuals affected with Systemic Primary Carnitine Deficiency (e.g. Frigeni_2017, El-Hattab_2010, Ambroze_2022). These data indicate that the variant is likely to be associated with disease. At least one publication reports experimental evidence that this variant causes reduced carnitine transport activity in vitro and in vivo (e.g. Frigeni_2017). The following publications have been ascertained in the context of this evaluation (PMID: 36109795, 20027113, 28841266). ClinVar contains an entry for this variant (Variation ID: 6428). Based on the evidence outlined above, the variant was classified as pathogenic.

Fulgent Genetics
Classification: Likely pathogenic for Renal carnitine transport defect. Last evaluated: 2024-03-06. Review status: criteria provided, single submitter. Criteria: ACMG Guidelines, 2015. Collection method: clinical testing. Allele origin: germline.

Revvity Omics, Revvity
Classification: Pathogenic for Renal carnitine transport defect. Last evaluated: 2022-01-27. Review status: criteria provided, single submitter. Criteria: ACMG Guidelines, 2015. Collection method: clinical testing. Allele origin: germline.

Genome-Nilou Lab
Classification: Pathogenic for Renal carnitine transport defect. Last evaluated: 2021-07-15. Review status: criteria provided, single submitter. Criteria: ACMG Guidelines, 2015. Collection method: clinical testing. Allele origin: germline. Affected: no.

Counsyl
Classification: Uncertain significance for Renal carnitine transport defect. Last evaluated: 2019-01-24. Review status: no assertion criteria provided. Collection method: clinical testing. Allele origin: unknown. Not counted in ClinVar's aggregate classification.

OMIM
Classification: Pathogenic for CARNITINE DEFICIENCY, SYSTEMIC PRIMARY. Last evaluated: 2015-04-29. Review status: no assertion criteria provided. Collection method: literature only. Allele origin: germline. Not counted in ClinVar's aggregate classification.

Literature cited by the submitters: PubMed 20027113 (cited by 5 submitters); PubMed 21922592 (cited by 3 submitters); PubMed 28841266 (cited by 5 submitters); PubMed 36109795 (cited by Ambry Genetics and Women's Health and Genetics/Laboratory Corporation of America, LabCorp); PubMed 26206375 (cited by Counsyl).

NM_003060.4(SLC22A5):c.1324_1325delinsAT (p.Ala442Ile)

Gene: SLC22A5 (solute carrier family 22 member 5; plus strand). Cytogenetic location: 5q31.1.
Variant type: Indel.
Coding change: c.1324_1325delinsAT on transcript NM_003060.4 (MANE Select); coding-DNA positions 1324 to 1325, GC replaced by AT.
Protein change: p.Ala442Ile; replaces alanine 442 with isoleucine.
Molecular consequence: missense variant.
Genome position (GRCh38, 1-based): chr5:132,392,489-132,392,490, GC replaced by AT. VCF-style: chr5-132392489-GC-AT. GRCh37 (hg19) VCF-style: chr5-131728181-GC-AT.
Other names: p.A442I:GCC>ATC; c.1396_1397delinsAT, p.Ala466Ile (NM_001308122.2); short protein forms A442I, A466I.
Identifiers: ClinVar variation 6428 (VCV000006428.26), dbSNP rs267607053, ClinGen allele CA312974.
Genomic context (GRCh38, chr5:132,392,489, plus strand): 5'-CCAGACTTGTATTATTTGGCTACAGTCCTGGTGATGGTGGGCAAGTTTGGAGTCACGGCT[GC>AT]CTTTTCCATGGTCTACGTGTACACAGCCGAGCTGTATCCCACAGTGGTGAGAAACATGGG-3'
Protein context (NP_003051.1, residues 432-452): VMVGKFGVTA[Ala442Ile]FSMVYVYTAE